The following is an entry in ClinVar:

NM_002582.4(PARN):c.1079T>C (p.Val360Ala)

Gene: PARN (poly(A)-specific ribonuclease; minus strand). Cytogenetic location: 16p13.12.
Variant type: single nucleotide variant.
Coding change: c.1079T>C on transcript NM_002582.4 (MANE Select); coding-DNA position 1079, T replaced by C.
Protein change: p.Val360Ala; replaces valine 360 with alanine.
Molecular consequence: missense variant.
Genome position (GRCh38, 1-based): chr16:14,584,349, A>G on the plus strand (T>C on the coding strand, the complement: PARN is on the minus strand). VCF-style: chr16-14584349-A-G. GRCh37 (hg19) VCF-style: chr16-14678206-A-G.
Other names: c.896T>C, p.Val299Ala (NM_001134477.3); c.941T>C, p.Val314Ala (NM_001242992.2); short protein forms V314A, V299A, V360A.
Identifiers: ClinVar variation 2951399 (VCV002951399.3), dbSNP rs2507859752, ClinGen allele CA394802687.
Genomic context (GRCh38, chr16:14,584,349, plus strand): 5'-AATATACATCAATAATTATTACAAAGAGTTTGGAGGGTTTCCGGTTTAATATTCTTACCA[A>G]CTTTAGGAGGGTTGAAAGGTGTCTCTTTTAACCGCTTTTCCAATTCCGCAAGGGATGTGT-3'
Protein context (NP_002573.1, residues 350-370): LKETPFNPPK[Val360Ala]ESAEGFPSYD

ClinVar aggregate classification (germline): Uncertain significance (1 of 4 stars; one submission).

Conditions:
Dyskeratosis congenita, autosomal recessive 6 (DKCB6). Identifiers: MedGen C4225356, MONDO:0014600, OMIM 616353.
Pulmonary fibrosis and/or bone marrow failure, Telomere-related, 4. Also called: PULMONARY FIBROSIS AND/OR BONE MARROW FAILURE SYNDROME, TELOMERE-RELATED, 4. Identifiers: Orphanet 2032, MedGen C4225347, MONDO:0014612, OMIM 616371.

Submission:

Labcorp Genetics (formerly Invitae), Labcorp
Classification: Uncertain significance for Dyskeratosis congenita, autosomal recessive 6; Pulmonary fibrosis and/or bone marrow failure, Telomere-related, 4. Last evaluated: 2023-08-29. Review status: criteria provided, single submitter. Criteria: Invitae Variant Classification Sherloc (09022015). Collection method: clinical testing. Allele origin: germline.
Comment: This variant has not been reported in the literature in individuals affected with PARN-related conditions. In summary, the available evidence is currently insufficient to determine the role of this variant in disease. Therefore, it has been classified as a Variant of Uncertain Significance. An algorithm developed to predict the effect of missense changes on protein structure and function (PolyPhen-2) suggests that this variant is likely to be tolerated. This variant is not present in population databases (gnomAD no frequency). This sequence change replaces valine, which is neutral and non-polar, with alanine, which is neutral and non-polar, at codon 360 of the PARN protein (p.Val360Ala).